The following is an entry in ClinVar:

ClinVar aggregate classification (germline): Uncertain significance (1 of 4 stars; one submission).

Submission:

Labcorp Genetics (formerly Invitae), Labcorp
Classification: Uncertain significance. Last evaluated: 2024-06-25. Review status: criteria provided, single submitter. Criteria: Invitae Variant Classification Sherloc (09022015). Collection method: clinical testing. Allele origin: germline.
Comment: This sequence change replaces isoleucine, which is neutral and non-polar, with valine, which is neutral and non-polar, at codon 260 of the SPARC protein (p.Ile260Val). This variant is not present in population databases (gnomAD no frequency). This variant has not been reported in the literature in individuals affected with SPARC-related conditions. ClinVar contains an entry for this variant (Variation ID: 1347673). Advanced modeling of protein sequence and biophysical properties (such as structural, functional, and spatial information, amino acid conservation, physicochemical variation, residue mobility, and thermodynamic stability) performed at Invitae indicates that this missense variant is not expected to disrupt SPARC protein function with a negative predictive value of 80%. In summary, the available evidence is currently insufficient to determine the role of this variant in disease. Therefore, it has been classified as a Variant of Uncertain Significance.

NM_003118.4(SPARC):c.778A>G (p.Ile260Val)

Genes: SPARC (secreted protein acidic and cysteine rich; minus strand), LOC126807556 (MED14-independent group 3 enhancer GRCh37_chr5:151042798-151043997; plus strand). Cytogenetic location: 5q33.1.
Variant type: single nucleotide variant.
Coding change: c.778A>G on transcript NM_003118.4 (MANE Select); coding-DNA position 778, A replaced by G.
Protein change: p.Ile260Val; replaces isoleucine 260 with valine.
Molecular consequence: missense variant.
Genome position (GRCh38, 1-based): chr5:151,664,192, T>C on the plus strand (A>G on the coding strand, the complement: SPARC is on the minus strand). VCF-style: chr5-151664192-T-C. GRCh37 (hg19) VCF-style: chr5-151043753-T-C.
Other names: c.775A>G, p.Ile259Val (NM_001309443.2); c.778A>G, p.Ile260Val (NM_001309444.2); short protein forms I260V, I259V.
Identifiers: ClinVar variation 1347673 (VCV001347673.6), dbSNP rs2113081413, ClinGen allele CA361830387.
Genomic context (GRCh38, chr5:151,664,192, plus strand): 5'-ACTTGTCATTGTCCAGGTCACAGGTCTCGAAAAAGCGGGTGGTGCAATGCTCCATGGGGA[T>C]GAGGGGAGCACGCAGTGGAGCCAGCTCGGTGTGGGAGAGGTACCTGCAGGGAAGGAGGCA-3'
Protein context (NP_003109.1, residues 250-270): TELAPLRAPL[Ile260Val]PMEHCTTRFF